The following is an entry in ClinVar:

NM_017849.4(TMEM127):c.569C>A (p.Ala190Asp)

Gene: TMEM127 (transmembrane protein 127; minus strand). Cytogenetic location: 2q11.2.
Variant type: single nucleotide variant.
Coding change: c.569C>A on transcript NM_017849.4 (MANE Select); coding-DNA position 569, C replaced by A.
Protein change: p.Ala190Asp; replaces alanine 190 with aspartic acid.
Molecular consequence: missense variant.
Genome position (GRCh38, 1-based): chr2:96,253,956, G>T on the plus strand (C>A on the coding strand, the complement: TMEM127 is on the minus strand). VCF-style: chr2-96253956-G-T. GRCh37 (hg19) VCF-style: chr2-96919694-G-T.
Other names: c.569C>A, p.Ala190Asp (NM_001193304.3); c.317C>A, p.Ala106Asp (NM_001407282.1, NM_001407283.1); short protein forms A106D, A190D.
Identifiers: ClinVar variation 1718000 (VCV001718000.5), dbSNP rs2104284000, ClinGen allele CA347652316.

ClinVar aggregate classification (germline): Uncertain significance (1 of 4 stars; one submission).

Conditions:
Hereditary pheochromocytoma and paraganglioma. Also called: Hereditary pheochromocytoma-paraganglioma; Hereditary paragangliomas and pheochromocytomas; Hereditary Paraganglioma-Pheochromocytoma Syndromes. Identifiers: Orphanet 29072, MedGen C4274332, MONDO:0017366.

Submission:

Labcorp Genetics (formerly Invitae), Labcorp
Classification: Uncertain significance for Hereditary pheochromocytoma and paraganglioma. Last evaluated: 2024-02-07. Review status: criteria provided, single submitter. Criteria: Invitae Variant Classification Sherloc (09022015). Collection method: clinical testing. Allele origin: germline.
Comment: This sequence change replaces alanine, which is neutral and non-polar, with aspartic acid, which is acidic and polar, at codon 190 of the TMEM127 protein (p.Ala190Asp). This variant is not present in population databases (gnomAD no frequency). This variant has not been reported in the literature in individuals affected with TMEM127-related conditions. ClinVar contains an entry for this variant (Variation ID: 1718000). An algorithm developed to predict the effect of missense changes on protein structure and function (PolyPhen-2) suggests that this variant is likely to be disruptive. In summary, the available evidence is currently insufficient to determine the role of this variant in disease. Therefore, it has been classified as a Variant of Uncertain Significance.